The following is an entry in ClinVar:

ClinVar aggregate classification (germline): Uncertain significance (1 of 4 stars; one submission).

Conditions:
Hereditary spastic paraplegia 3A (SPG3A). Also called: Spastic paraplegia 3A, autosomal dominant; SPASTIC PARAPLEGIA 3, AUTOSOMAL DOMINANT; FAMILIAL SPASTIC PARAPLEGIA, AUTOSOMAL DOMINANT, 1; SPG3; STRUMPELL DISEASE; Spastic Paraplegia 3A. Identifiers: Orphanet 100984, MedGen C2931355, MONDO:0008437, OMIM 182600.

Submission:

Labcorp Genetics (formerly Invitae), Labcorp
Classification: Uncertain significance for Hereditary spastic paraplegia 3A. Last evaluated: 2022-10-13. Review status: criteria provided, single submitter. Criteria: Invitae Variant Classification Sherloc (09022015). Collection method: clinical testing. Allele origin: germline.
Comment: This variant results in a copy number gain of the genomic region encompassing exon(s) 1-14 of the ATL1 gene. While the exact position of this variant cannot be determined from the data, sub-genic copy number gains are generally in tandem (PMID: 25640679). This variant is predicted to be in-frame, and likely preserves the integrity of the reading frame. This variant has not been reported in the literature in individuals affected with ATL1-related conditions. In summary, the available evidence is currently insufficient to determine the role of this variant in disease. Therefore, it has been classified as a Variant of Uncertain Significance.

Literature cited by the submitters: PubMed 25640679.

NC_000014.8:g.(?_51026984)_(51099057_?)dup

Gene: ATL1 (atlastin GTPase 1; plus strand). Cytogenetic location: 14q22.1.
Variant type: Duplication.
Identifiers: ClinVar variation 2426243 (VCV002426243.3).